The following is an entry in ClinVar:

NM_000038.6(APC):c.2715T>C (p.Ser905=)

Gene: APC (APC regulator of Wnt signaling pathway; plus strand). Cytogenetic location: 5q22.2.
Variant type: single nucleotide variant.
Coding change: c.2715T>C on transcript NM_000038.6 (MANE Select); coding-DNA position 2715, T replaced by C.
Protein change: p.Ser905=; no amino-acid change (serine 905 retained).
Molecular consequence: synonymous variant. On other transcripts: non-coding transcript variant (2).
Genome position (GRCh38, 1-based): chr5:112,838,309, T>C. VCF-style: chr5-112838309-T-C. GRCh37 (hg19) VCF-style: chr5-112174006-T-C.
Other names: c.2715T>C, p.Ser905= (NM_001127510.3, NM_001354895.2, NM_001407450.1); c.2661T>C, p.Ser887= (NM_001127511.3); c.2769T>C, p.Ser923= (NM_001354896.2, NM_001407447.1, NM_001407448.1 and 1 more transcripts); c.2745T>C, p.Ser915= (NM_001354897.2); c.2640T>C, p.Ser880= (NM_001354898.2); c.2631T>C, p.Ser877= (NM_001354899.2); c.2592T>C, p.Ser864= (NM_001354900.2); c.2538T>C, p.Ser846= (NM_001354901.2, NM_001407453.1); and 11 more.
Identifiers: ClinVar variation 3148013 (VCV003148013.1), dbSNP rs2149875887, ClinGen allele CA445963024.

ClinVar aggregate classification (germline): Benign (1 of 4 stars; one submission).

Conditions:
Familial adenomatous polyposis 1 (FAP1). Also called: POLYPOSIS, ADENOMATOUS INTESTINAL; FAMILIAL ADENOMATOUS POLYPOSIS 1, ATTENUATED. Identifiers: MedGen C2713442, MONDO:0021056, OMIM 175100. Disease mechanism: loss of function.

Submission:

Myriad Genetics, Inc.
Classification: Benign for Familial adenomatous polyposis 1. Last evaluated: 2024-03-15. Review status: criteria provided, single submitter. Criteria: Myriad Autosomal Dominant, Autosomal Recessive and X-Linked Classification Criteria (2023). Collection method: clinical testing. Allele origin: unknown.
Comment: This variant is considered benign. This variant is a silent/synonymous amino acid change and it is not expected to impact splicing.